The following is an entry in ClinVar:

NM_001164508.2(NEB):c.25061del (p.Leu8354fs)

Genes: NEB (nebulin; minus strand), RIF1 (replication timing regulatory factor 1; plus strand). Cytogenetic location: 2q23.3.
Variant type: Deletion.
Coding change: c.25061del on transcript NM_001164508.2 (MANE Select); coding-DNA position 25061, one base deleted (T; older notation c.25061delT).
Protein change: p.Leu8354fs; shifts the reading frame from leucine 8354.
Molecular consequence: frameshift variant.
Genome position (GRCh38, 1-based): chr2:151,491,772, A deleted on the plus strand (T on the coding strand, the reverse complement: NEB is on the minus strand); the first of 3 consecutive A bases (chr2:151,491,772-151,491,774); deleting any one gives the same sequence. VCF-style (leftmost placement, unchanged base first): chr2-151491771-TA-T. GRCh37 (hg19) VCF-style: chr2-152348285-TA-T.
Other names: c.25061del, p.Leu8354fs (NM_001164507.2); c.25166del, p.Leu8389fs (NM_001271208.2); c.19493del, p.Leu6498fs (NM_004543.5); short protein forms L6498fs, L8354fs, L8389fs.
Identifiers: ClinVar variation 1726343 (VCV001726343.2), dbSNP rs2551697220, ClinGen allele CA2580063928.

ClinVar aggregate classification (germline): Likely pathogenic (1 of 4 stars; one submission).

Conditions:
Nemaline myopathy 2 (NEM2). Also called: Nemaline myopathy 2, autosomal recessive. Identifiers: MedGen C1850569, MONDO:0009725, OMIM 256030.

Submission:

Myriad Genetics, Inc.
Classification: Likely pathogenic for Nemaline myopathy 2. Last evaluated: 2021-12-16. Review status: criteria provided, single submitter. Criteria: Myriad Women's Health Autosomal Recessive and X-Linked Classification Criteria (2021). Collection method: clinical testing. Allele origin: unknown.
Comment: NM_001271208.1(NEB):c.25166delT(L8389Yfs*28) is expected to be pathogenic in the context of NEB-related nemaline myopathy. This variant is predicted to lead to an abnormal or absent protein product due to the creation of a premature termination codon in NEB, a gene where loss-of-function variants are known to be pathogenic. Please note: this variant was assessed in the context of healthy population screening.